The following is an entry in ClinVar:

ClinVar aggregate classification (germline): Conflicting classifications of pathogenicity. Review status: criteria provided, conflicting classifications (1 of 4 stars). 2 submissions from 2 submitters: Pathogenic (1); Uncertain significance (1). Last evaluated 2025-08-25.

Conditions:
Galloway-Mowat syndrome 1 (GAMOS1). Identifiers: Orphanet 2065, Orphanet 83472, MedGen C4551772, MONDO:0033005, OMIM 251300.

Submissions (2):

Daryl Scott Lab, Baylor College of Medicine
Classification: Pathogenic for Galloway-Mowat syndrome 1. Last evaluated: 2025-08-25. Review status: criteria provided, single submitter. Criteria: ACMG Guidelines, 2015. Collection method: clinical testing. Allele origin: paternal. Affected: yes. Observed: 1 compound heterozygote.
Comment: PM2, PM3, PP3

Fulgent Genetics
Classification: Uncertain significance for Galloway-Mowat syndrome 1. Last evaluated: 2024-03-28. Review status: criteria provided, single submitter. Criteria: ACMG Guidelines, 2015. Collection method: clinical testing. Allele origin: germline.

NM_032856.5(WDR73):c.32C>G (p.Ser11Cys)

Gene: WDR73 (WD repeat domain 73; minus strand). Cytogenetic location: 15q25.2.
Variant type: single nucleotide variant.
Coding change: c.32C>G on transcript NM_032856.5 (MANE Select); coding-DNA position 32, C replaced by G.
Protein change: p.Ser11Cys; replaces serine 11 with cysteine.
Molecular consequence: missense variant. On other transcripts: non-coding transcript variant (4).
Genome position (GRCh38, 1-based): chr15:84,654,243, G>C on the plus strand (C>G on the coding strand, the complement: WDR73 is on the minus strand). VCF-style: chr15-84654243-G-C. GRCh37 (hg19) VCF-style: chr15-85197474-G-C.
Other names: short protein forms S11C.
Identifiers: ClinVar variation 3577860 (VCV003577860.2).